The following is an entry in ClinVar:

NM_000400.4(ERCC2):c.1196T>C (p.Leu399Pro)

Gene: ERCC2 (ERCC excision repair 2, TFIIH core complex helicase subunit; minus strand). Cytogenetic location: 19q13.32.
Variant type: single nucleotide variant.
Coding change: c.1196T>C on transcript NM_000400.4 (MANE Select); coding-DNA position 1196, T replaced by C.
Protein change: p.Leu399Pro; replaces leucine 399 with proline.
Molecular consequence: missense variant.
Genome position (GRCh38, 1-based): chr19:45,361,565, A>G on the plus strand (T>C on the coding strand, the complement: ERCC2 is on the minus strand). VCF-style: chr19-45361565-A-G. GRCh37 (hg19) VCF-style: chr19-45864823-A-G.
Other names: c.1124T>C, p.Leu375Pro (NM_001130867.2); short protein forms L399P, L375P.
Identifiers: ClinVar variation 1746147 (VCV001746147.2), dbSNP rs1158298751, ClinGen allele CA406369906.

ClinVar aggregate classification (germline): Uncertain significance (1 of 4 stars; one submission).

Conditions:
Inborn genetic diseases. Identifiers: MedGen C0950123, MeSH D030342.

Allele frequency attached by ClinVar (database versions not stated): gnomAD exomes below 0.00001; TOPMed below 0.00001.
gnomAD v4.1: 1 of 1,614,004 alleles (0.000062%); highest among the groups gnomAD compares: African/African-American, 0.0013%; no homozygotes.

Submission:

Ambry Genetics
Classification: Uncertain significance for Inborn genetic diseases. Last evaluated: 2022-02-07. Review status: criteria provided, single submitter. Criteria: Ambry Variant Classification Scheme 2023. Collection method: clinical testing. Allele origin: germline.
Comment: The p.L399P variant (also known as c.1196T>C), located in coding exon 12 of the ERCC2 gene, results from a T to C substitution at nucleotide position 1196. The leucine at codon 399 is replaced by proline, an amino acid with similar properties. This amino acid position is conserved. In addition, this alteration is predicted to be deleterious by in silico analysis. Since supporting evidence is limited at this time, the clinical significance of this alteration remains unclear.